The following is an entry in ClinVar:

ClinVar aggregate classification (germline): Uncertain significance (1 of 4 stars; one submission).

Conditions:
Shukla-Vernon syndrome. Identifiers: MedGen C5193146, MONDO:0026727, OMIM 301029.

Submission:

Pittsburgh Clinical Genomics Laboratory, University of Pittsburgh Medical Center
Classification: Uncertain significance for Shukla-Vernon syndrome. Last evaluated: 2023-11-24. Review status: criteria provided, single submitter. Criteria: ACMG Guidelines, 2015. Collection method: clinical testing. Allele origin: germline. Inheritance: X-linked recessive inheritance. Affected: yes.
Comment: This sequence variant is a single nucleotide substitution (C>A) 74 nucleotides into the 3' UTR sequence of the BCORL1 gene. This variant is absent from ClinVar, but other 3' UTR variants in the gene have been observed in families with at least two males with autism specturm disorder or intellectual disability (PMID:23092983). This variant is present in 5 of 112467 alleles (0.0044%) in the gnomAD population dataset. Predictions from bioinformatic tools are inconclusive for this variant, and the residue at this position is poorly conserved across the vertebrate species examined. Studies examining the functional consequence of this variant have not been published, to our knowledge. At this time, there is insufficient evidence to determine if this variant is pathogenic or benign. Therefore, we consider this a variant of uncertain significance. ACMG Criteria: PM2

Literature cited by the submitters: PubMed 23092983.

NM_001379451.1(BCORL1):c.*74C>A

Gene: BCORL1 (BCL6 corepressor like 1; plus strand). Cytogenetic location: Xq26.1.
Variant type: single nucleotide variant.
Coding change: c.*74C>A on transcript NM_001379451.1 (MANE Select); 74 bases downstream of the stop codon, C replaced by A.
Molecular consequence: 3 prime UTR variant.
Genome position (GRCh38, 1-based): chrX:130,056,210, C>A. VCF-style: chrX-130056210-C-A. GRCh37 (hg19) VCF-style: chrX-129190185-C-A.
Other names: c.*74C>A (NM_001184772.3, NM_001379450.1, NM_021946.5).
Identifiers: ClinVar variation 3376408 (VCV003376408.1).
Genomic context (GRCh38, chrX:130,056,210, plus strand): 5'-CCCTCCTCTTCTTTCTCCTTCCGAGTTCGCCCTTCCCCCACCTCCTTGTCTTTCCCCGAC[C>A]GAGCACCAGACTGCAGAATGAGGCAATAATACGGACCAACAAGAAGCCGCCTTATCAATG-3'